The following is an entry in ClinVar:

NM_016507.4(CDK12):c.4318T>C (p.Tyr1440His)

Gene: CDK12 (cyclin dependent kinase 12; plus strand). Cytogenetic location: 17q12.
Variant type: single nucleotide variant.
Coding change: c.4318T>C on transcript NM_016507.4 (MANE Select); coding-DNA position 4318, T replaced by C.
Protein change: p.Tyr1440His; replaces tyrosine 1440 with histidine.
Molecular consequence: missense variant.
Genome position (GRCh38, 1-based): chr17:39,531,161, T>C. VCF-style: chr17-39531161-T-C. GRCh37 (hg19) VCF-style: chr17-37687414-T-C.
Other names: c.4291T>C, p.Tyr1431His (NM_015083.4); short protein forms Y1440H, Y1431H.
Identifiers: ClinVar variation 4651407 (VCV004651407.1).

ClinVar aggregate classification (germline): Uncertain significance (1 of 4 stars; one submission).

gnomAD v4.1: 2 of 1,527,378 alleles (0.00013%); highest among the groups gnomAD compares: East Asian, 0.0023%; no homozygotes.

Submission:

Ambry Genetics
Classification: Uncertain significance. Last evaluated: 2025-10-26. Review status: criteria provided, single submitter. Criteria: Ambry Variant Classification Scheme 2023. Collection method: clinical testing. Allele origin: germline.
Comment: The p.Y1440H variant (also known as c.4318T>C), located in coding exon 14 of the CDK12 gene, results from a T to C substitution at nucleotide position 4318. The tyrosine at codon 1440 is replaced by histidine, an amino acid with similar properties. This amino acid position is conserved. In addition, the in silico prediction for this alteration is inconclusive. Based on the available evidence, the clinical significance of this variant remains unclear.